The following is an entry in ClinVar:

NM_013314.4(BLNK):c.526-5G>C

Gene: BLNK (B cell linker; minus strand). Cytogenetic location: 10q24.1.
Variant type: single nucleotide variant.
Coding change: c.526-5G>C on transcript NM_013314.4 (MANE Select); 5 bases into the intron before coding-DNA position 526, G replaced by C.
Molecular consequence: intron variant.
Genome position (GRCh38, 1-based): chr10:96,216,739, C>G on the plus strand (G>C on the coding strand, the complement: BLNK is on the minus strand). VCF-style: chr10-96216739-C-G. GRCh37 (hg19) VCF-style: chr10-97976495-C-G.
Other names: c.350-1407G>C (NM_001258442.2); c.526-5G>C (NM_001258441.2, NM_001114094.2, NM_001258440.2).
Identifiers: ClinVar variation 471481 (VCV000471481.24), dbSNP rs17111459, ClinGen allele CA5623426.

ClinVar aggregate classification (germline): Benign. Review status: criteria provided, multiple submitters, no conflicts (2 of 4 stars). 5 submissions from 5 submitters: Benign (4). 1 of the submissions does not count toward it. Last evaluated 2026-02-01.

Conditions:
Agammaglobulinemia 4, autosomal recessive (AGM4). Also called: AGAMMAGLOBULINEMIA, AUTOSOMAL RECESSIVE, DUE TO BLNK DEFECT; B cell linker protein deficiency. Identifiers: MedGen C3150752, MONDO:0013289, OMIM 613502.
BLNK-related disorder. Also called: BLNK-related condition.

Allele frequency attached by ClinVar (database versions not stated): TOPMed 0.01211; gnomAD 0.01232 and 0.01201; ESP Exome Variant Server 0.01307; 1000 Genomes Project 0.01438; 1000 Genomes Project 30x 0.01452; gnomAD exomes 0.00699; ExAC 0.00771.
gnomAD v4.1: 12,235 of 1,612,622 alleles (0.76%); highest among the groups gnomAD compares: African/African-American, 2.4%; 90 homozygotes.

Submissions (5):

Labcorp Genetics (formerly Invitae), Labcorp
Classification: Benign for Agammaglobulinemia 4, autosomal recessive. Last evaluated: 2026-02-01. Review status: criteria provided, single submitter. Criteria: Invitae Variant Classification Sherloc (09022015). Collection method: clinical testing. Allele origin: germline.

Women's Health and Genetics/Laboratory Corporation of America, LabCorp
Classification: Benign. Last evaluated: 2026-01-22. Review status: criteria provided, single submitter. Criteria: LabCorp Variant Classification Summary - May 2015. Collection method: clinical testing. Allele origin: germline.

ARUP Laboratories, Molecular Genetics and Genomics, ARUP Laboratories
Classification: Benign for Agammaglobulinemia 4, autosomal recessive. Last evaluated: 2024-07-25. Review status: criteria provided, single submitter. Criteria: ARUP Molecular Germline Variant Investigation Process 2024. Collection method: clinical testing. Allele origin: germline.

Breakthrough Genomics
Classification: Benign. Review status: criteria provided, single submitter. Criteria: ACMG Guidelines, 2015. Collection method: not provided. Allele origin: germline. Inheritance: Autosomal recessive inheritance. Affected: yes.

PreventionGenetics, part of Exact Sciences
Classification: Benign for BLNK-related condition. Last evaluated: 2019-07-11. Review status: no assertion criteria provided. Collection method: clinical testing. Allele origin: germline. Not counted in ClinVar's aggregate classification.
Comment: This variant is classified as benign based on ACMG/AMP sequence variant interpretation guidelines (Richards et al. 2015 PMID: 25741868, with internal and published modifications).